The following is an entry in ClinVar:

ClinVar aggregate classification (germline): Uncertain significance. Review status: criteria provided, multiple submitters, no conflicts (2 of 4 stars). 5 submissions from 4 submitters: Uncertain significance (5). Last evaluated 2023-04-11.

Conditions:
Retinitis pigmentosa 35 (RP35). Identifiers: Orphanet 791, MedGen C1853214, MONDO:0012463, OMIM 610282.
Cone-rod dystrophy 10 (CORD10). Identifiers: Orphanet 1872, MedGen C1846529, MONDO:0012464, OMIM 610283.

Allele frequency attached by ClinVar (database versions not stated): gnomAD exomes below 0.00001 and 0.00005; gnomAD 0.00001; TOPMed 0.00002.
gnomAD v4.1: 73 of 1,614,030 alleles (0.0045%); highest among the groups gnomAD compares: Non-Finnish European, 0.0059%; no homozygotes.

Submissions (5):

Genome-Nilou Lab
Classification: Uncertain significance for Cone-rod dystrophy 10. Last evaluated: 2023-04-11. Review status: criteria provided, single submitter. Criteria: ACMG Guidelines, 2015. Collection method: clinical testing. Allele origin: germline. Affected: no.

Genome-Nilou Lab
Classification: Uncertain significance for Retinitis pigmentosa 35. Last evaluated: 2023-04-11. Review status: criteria provided, single submitter. Criteria: ACMG Guidelines, 2015. Collection method: clinical testing. Allele origin: germline. Affected: no.

Blueprint Genetics
Classification: Uncertain significance. Last evaluated: 2022-02-10. Review status: criteria provided, single submitter. Criteria: ACMG Guidelines, 2015. Collection method: clinical testing. Allele origin: germline.

Labcorp Genetics (formerly Invitae), Labcorp
Classification: Uncertain significance. Last evaluated: 2021-02-08. Review status: criteria provided, single submitter. Criteria: Invitae Variant Classification Sherloc (09022015). Collection method: clinical testing. Allele origin: germline.
Comment: This sequence change replaces methionine with leucine at codon 392 of the SEMA4A protein (p.Met392Leu). The methionine residue is moderately conserved and there is a small physicochemical difference between methionine and leucine. This variant is not present in population databases (ExAC no frequency). This variant has not been reported in the literature in individuals with SEMA4A-related conditions. ClinVar contains an entry for this variant (Variation ID: 501000). Algorithms developed to predict the effect of missense changes on protein structure and function (SIFT, PolyPhen-2, Align-GVGD) all suggest that this variant is likely to be tolerated, but these predictions have not been confirmed by published functional studies and their clinical significance is uncertain. In summary, the available evidence is currently insufficient to determine the role of this variant in disease. Therefore, it has been classified as a Variant of Uncertain Significance.

Eurofins Ntd Llc (ga)
Classification: Uncertain significance. Last evaluated: 2017-03-24. Review status: criteria provided, single submitter. Criteria: EGL Classification Definitions 2015. Collection method: clinical testing. Allele origin: germline. Observed: 1 variant allele, 1 heterozygote.

NM_022367.4(SEMA4A):c.1174A>C (p.Met392Leu)

Gene: SEMA4A (semaphorin 4A; plus strand). Cytogenetic location: 1q22.
Variant type: single nucleotide variant.
Coding change: c.1174A>C on transcript NM_022367.4 (MANE Select); coding-DNA position 1174, A replaced by C.
Protein change: p.Met392Leu; replaces methionine 392 with leucine.
Molecular consequence: missense variant.
Genome position (GRCh38, 1-based): chr1:156,172,865, A>C. VCF-style: chr1-156172865-A-C. GRCh37 (hg19) VCF-style: chr1-156142656-A-C.
Other names: c.1174A>C, p.Met392Leu (NM_001193300.2, NM_001193301.2, NM_001370567.1); c.778A>C, p.Met260Leu (NM_001193302.2); c.877A>C, p.Met293Leu (NM_001370568.1); c.667A>C, p.Met223Leu (NM_001370569.1, NM_001370571.1); short protein forms M392L, M223L, M260L, M293L.
Identifiers: ClinVar variation 501000 (VCV000501000.14), dbSNP rs1475557484, ClinGen allele CA342806645.